The following is an entry in ClinVar:

ClinVar aggregate classification (germline): Likely pathogenic (1 of 4 stars; one submission).

Conditions:
Microcephaly-intellectual disability-sensorineural hearing loss-epilepsy-abnormal muscle tone syndrome (NEDHSB). Also called: NEURODEVELOPMENTAL DISORDER WITH HEARING LOSS, SEIZURES, AND BRAIN ABNORMALITIES. Identifiers: Orphanet 457351, MedGen C4225276, MONDO:0014698, OMIM 616577.

Submission:

Labcorp Genetics (formerly Invitae), Labcorp
Classification: Likely pathogenic for Microcephaly-intellectual disability-sensorineural hearing loss-epilepsy-abnormal muscle tone syndrome. Last evaluated: 2022-05-12. Review status: criteria provided, single submitter. Criteria: Invitae Variant Classification Sherloc (09022015). Collection method: clinical testing. Allele origin: germline.
Comment: In summary, the currently available evidence indicates that the variant is pathogenic, but additional data are needed to prove that conclusively. Therefore, this variant has been classified as Likely Pathogenic. This variant disrupts the p.Arg84 amino acid residue in SPATA5. Other variant(s) that disrupt this residue have been determined to be pathogenic (PMID: 26299366, 28513609; Invitae). This suggests that this residue is clinically significant, and that variants that disrupt this residue are likely to be disease-causing. Advanced modeling of protein sequence and biophysical properties (such as structural, functional, and spatial information, amino acid conservation, physicochemical variation, residue mobility, and thermodynamic stability) performed at Invitae indicates that this missense variant is expected to disrupt SPATA5 protein function. This variant has not been reported in the literature in individuals affected with SPATA5-related conditions. This variant is not present in population databases (gnomAD no frequency). This sequence change replaces arginine, which is basic and polar, with proline, which is neutral and non-polar, at codon 84 of the SPATA5 protein (p.Arg84Pro).

Literature cited by the submitters: PubMed 26299366; PubMed 28513609.

NM_145207.3(AFG2A):c.251G>C (p.Arg84Pro)

Gene: AFG2A (AAA ATPase AFG2A; plus strand). Cytogenetic location: 4q28.1.
Variant type: single nucleotide variant.
Coding change: c.251G>C on transcript NM_145207.3 (MANE Select); coding-DNA position 251, G replaced by C.
Protein change: p.Arg84Pro; replaces arginine 84 with proline.
Molecular consequence: missense variant.
Genome position (GRCh38, 1-based): chr4:122,927,721, G>C. VCF-style: chr4-122927721-G-C. GRCh37 (hg19) VCF-style: chr4-123848876-G-C.
Other names: c.248G>C, p.Arg83Pro (NM_001317799.2, NM_001345856.2); short protein forms R83P, R84P.
Identifiers: ClinVar variation 2131215 (VCV002131215.3), dbSNP rs745858366, ClinGen allele CA358099406.